The following is an entry in ClinVar:

NM_001166345.3(MDFIC):c.391dup (p.Met131fs)

Gene: MDFIC (MyoD family inhibitor domain containing; plus strand). Cytogenetic location: 7q31.1.
Variant type: Duplication.
Coding change: c.391dup on transcript NM_001166345.3 (MANE Select); coding-DNA position 391, one base duplicated (A; older notation c.391dupA).
Protein change: p.Met131fs; shifts the reading frame from methionine 131.
Molecular consequence: frameshift variant.
Genome position (GRCh38, 1-based): chr7:114,979,679, A duplicated; the last of 6 consecutive A bases (chr7:114,979,674-114,979,679); duplicating any one gives the same sequence. VCF-style (leftmost placement, unchanged base first): chr7-114979673-C-CA. GRCh37 (hg19) VCF-style: chr7-114619728-C-CA.
Other names: c.718dup, p.Met240fs (NM_199072.5); c.718dupA (NM_199072.4); short protein forms M131fs, M240fs.
Identifiers: ClinVar variation 1702938 (VCV001702938.6), dbSNP rs562142736, ClinGen allele CA4446713.
Genomic context (GRCh38, chr7:114,979,673, plus strand): 5'-ATTCACCACGGGGCCAAACACGGATCCGCAGATAATCGCAAACTTTCAGCACCTGTTTCT[C>CA]AAAAAATGCATAGAAAAATTCAGTCCAGCTTGTCTGTAAACAGCGATATCAGTAAGAAGA-3'

ClinVar aggregate classification (germline): Pathogenic/Likely pathogenic. Review status: criteria provided, multiple submitters, no conflicts (2 of 4 stars). 5 submissions from 5 submitters: Pathogenic (2); Likely pathogenic (2). 1 of the submissions does not count toward it. Last evaluated 2026-04-27.

Conditions:
Lymphatic malformation 12 (LMPHM12). Also called: CENTRAL CONDUCTING LYMPHATIC ANOMALY. Identifiers: MedGen C5774203, MONDO:0031043, OMIM 620014.
MDFIC-related disorder. Also called: MDFIC-related condition.

Submissions (5):

PreventionGenetics, part of Exact Sciences
Classification: Likely pathogenic for MDFIC-related condition. Last evaluated: 2026-04-27. Review status: criteria provided, single submitter. Criteria: ACMG Guidelines, 2015. Collection method: clinical testing. Allele origin: germline.
Comment: The MDFIC c.718dupA variant is predicted to result in a frameshift and premature protein termination (p.Met240Asnfs*3). Using an alternate transcript (NM_001166345), this variant is also referred to as c.391dupA (p.Met131Asnfs*3) in the literature. This variant has been reported in the homozygous and compound heterozygous states in multiple individuals with central conducting lymphatic anomaly with lymphedema or lymphatic malformation 12 (Byrne et al. 2022. PubMed ID: 35235341; Jenkins et al. 2025. PubMed ID: 40121231). Functional studies reveal that this variant escapes nonsense mediated decay, resulting in a truncated protein (Byrne et al. 2022. PubMed ID: 35235341; Torellas et al. 2024. PubMed ID: 38618951). This variant is reported in 0.026% of alleles in individuals of European (non-Finnish) descent in gnomAD and is classified as pathogenic in ClinVar (Variation ID: 1702938). This variant is interpreted as pathogenic.

Institute of Human Genetics, Cologne University
Classification: Pathogenic for Lymphatic malformation 12. Last evaluated: 2024-09-20. Review status: criteria provided, single submitter. Criteria: ACMG Guidelines, 2015. Collection method: clinical testing. Allele origin: paternal. Affected: yes.

Juno Genomics, Hangzhou Juno Genomics, Inc
Classification: Likely pathogenic for Lymphatic malformation 12. Review status: criteria provided, single submitter. Criteria: ACMG Guidelines, 2015. Collection method: clinical testing. Allele origin: germline.
Comment: Absent from controls (or at extremely low frequency if recessive) in Genome Aggregation Database.;For recessive disorders, detected in trans with a pathogenic variant.;Co-segregation with disease in multiple affected family members.;Well-established in vitro or in vivo functional studies supportive of a damaging effect on the gene or gene product.

Rady Children's Institute for Genomic Medicine, Rady Children's Hospital San Diego
Classification: Pathogenic for Lymphatic malformation 12. Review status: criteria provided, single submitter. Criteria: ACMG Guidelines, 2015. Collection method: clinical testing. Allele origin: germline. Affected: yes.
Comment: This variant results in a c.391dup (p.Met131) change in an alternate MDFIC transcript NM_001166345.1. This frameshifting variant in exon 4 of 5 introduces a premature stop codon and is therefore predicted to result in loss of normal protein function through either protein truncation or nonsense-mediated mRNA decay (NMD). This variant has been previously reported as a homozygous and compound heterozygous change in patients with Central conducting lymphatic anomaly (PMID: 35235341). Functional studies confirm this variant results in a truncated protein (PMID: 35235341). The c.718dup (p.Met240AsnfsTer3) variant is present in the heterozygous state in the gnomAD population database at a frequency of 0.01770% (50/282438) and thus is presumed to be rare. Based on the available evidence, the c.718dup (p.Met240AsnfsTer3) variant is classified as Pathogenic.

OMIM
Classification: Pathogenic for LYMPHATIC MALFORMATION 12. Last evaluated: 2022-08-23. Review status: no assertion criteria provided. Collection method: literature only. Allele origin: germline. Not counted in ClinVar's aggregate classification.

Literature cited by the submitters: PubMed 35235341 (cited by OMIM).